The following is an entry in ClinVar:

NM_004863.4(SPTLC2):c.432C>T (p.Ala144=)

Gene: SPTLC2 (serine palmitoyltransferase long chain base subunit 2; minus strand). Cytogenetic location: 14q24.3.
Variant type: single nucleotide variant.
Coding change: c.432C>T on transcript NM_004863.4 (MANE Select); coding-DNA position 432, C replaced by T.
Protein change: p.Ala144=; no amino-acid change (alanine 144 retained).
Molecular consequence: synonymous variant.
Genome position (GRCh38, 1-based): chr14:77,579,005, G>A on the plus strand (C>T on the coding strand, the complement: SPTLC2 is on the minus strand). VCF-style: chr14-77579005-G-A. GRCh37 (hg19) VCF-style: chr14-78045348-G-A.
Identifiers: ClinVar variation 389940 (VCV000389940.56), dbSNP rs139381733, ClinGen allele CA7289446.

ClinVar aggregate classification (germline): Likely benign. Review status: criteria provided, multiple submitters, no conflicts (2 of 4 stars). 4 submissions from 4 submitters: Likely benign (3). 1 of the submissions does not count toward it. Last evaluated 2026-01-05.

Conditions:
SPTLC2-related disorder. Also called: SPTLC2-related condition.
Inborn genetic diseases. Identifiers: MedGen C0950123, MeSH D030342.
Neuropathy, hereditary sensory and autonomic, type 1C. Also called: HSAN IC; HSN IC. Identifiers: Orphanet 36386, MedGen C3150896, MONDO:0013337, OMIM 613640.

Allele frequency attached by ClinVar (database versions not stated): gnomAD exomes 0.00003 and 0.00008; ExAC 0.00012; gnomAD 0.00036 and 0.00037; TOPMed 0.00036; ESP Exome Variant Server 0.00046; 1000 Genomes Project 0.00100; 1000 Genomes Project 30x 0.00125.
gnomAD v4.1: 95 of 1,614,024 alleles (0.0059%); highest among the groups gnomAD compares: African/African-American, 0.12%; no homozygotes.

Submissions (4):

Labcorp Genetics (formerly Invitae), Labcorp
Classification: Likely benign for Neuropathy, hereditary sensory and autonomic, type 1C. Last evaluated: 2026-01-05. Review status: criteria provided, single submitter. Criteria: Invitae Variant Classification Sherloc (09022015). Collection method: clinical testing. Allele origin: germline.

GeneDx
Classification: Likely benign. Last evaluated: 2020-09-28. Review status: criteria provided, single submitter. Criteria: GeneDx Variant Classification Process June 2021. Collection method: clinical testing. Allele origin: germline. Affected: yes.

Ambry Genetics
Classification: Likely benign for Inborn genetic diseases. Last evaluated: 2019-07-11. Review status: criteria provided, single submitter. Criteria: Ambry Variant Classification Scheme 2023. Collection method: clinical testing. Allele origin: germline.

PreventionGenetics, part of Exact Sciences
Classification: Likely benign for SPTLC2-related condition. Last evaluated: 2020-01-06. Review status: no assertion criteria provided. Collection method: clinical testing. Allele origin: germline. Not counted in ClinVar's aggregate classification.
Comment: This variant is classified as likely benign based on ACMG/AMP sequence variant interpretation guidelines (Richards et al. 2015 PMID: 25741868, with internal and published modifications).